The following is an entry in ClinVar:

ClinVar aggregate classification (germline): Conflicting classifications of pathogenicity. Review status: criteria provided, conflicting classifications (1 of 4 stars). 2 submissions from 2 submitters: Likely pathogenic (1); Uncertain significance (1). Last evaluated 2024-05-22.

Conditions:
STIM1-related disorder. Also called: STIM1-related condition.
Myopathy, tubular aggregate, 1 (TAM1). Identifiers: MedGen C4011726, MONDO:0024531, OMIM 160565.

Submissions (2):

Broad Center for Mendelian Genomics, Broad Institute of MIT and Harvard
Classification: Uncertain significance for Myopathy, tubular aggregate, 1. Last evaluated: 2024-05-22. Review status: criteria provided, single submitter. Criteria: ACMG Guidelines, 2015. Collection method: curation. Allele origin: germline. Inheritance: Autosomal dominant inheritance.
Comment: The variant has not been previously reported in individuals with myopathy, tubular aggregate, 1, and was absent from large population studies. Computational prediction tools and conservation analyses do not provide strong support for or against an impact to the protein. One pathogenic and one likely pathogenic variants, resulting in a different amino acid changes at the same position, (p.Asp84Gly, p.Asp84Glu), have been reported in association with disease in ClinVar, supporting that a change at this position may not be tolerated (Variation ID: 41481). In summary, the clinical significance of the p.Asp84Asn variant is uncertain. ACMG/AMP Criteria applied: PM2_Supporting, PM5_Strong (Richards 2015).

Blueprint Genetics
Classification: Likely pathogenic for STIM1-related disorders. Last evaluated: 2023-02-16. Review status: criteria provided, single submitter. Criteria: ACMG Guidelines, 2015. Collection method: clinical testing. Allele origin: germline. Affected: yes. Observed: 1 variant allele.

NM_001382567.1(STIM1):c.250G>A (p.Asp84Asn)

Gene: STIM1 (stromal interaction molecule 1; plus strand). Cytogenetic location: 11p15.4.
Variant type: single nucleotide variant.
Coding change: c.250G>A on transcript NM_001382567.1 (MANE Select); coding-DNA position 250, G replaced by A.
Protein change: p.Asp84Asn; replaces aspartic acid 84 with asparagine.
Molecular consequence: missense variant. On other transcripts: non-coding transcript variant (3), intron variant (4).
Genome position (GRCh38, 1-based): chr11:3,967,662, G>A. VCF-style: chr11-3967662-G-A. GRCh37 (hg19) VCF-style: chr11-3988892-G-A.
Other names: NR_168438.1:n.857G>A; c.250G>A, p.Asp84Asn (NM_001277961.3, NM_001277962.2, NM_001382568.1 and 3 more transcripts); c.28G>A, p.Asp10Asn (NM_001382566.1, NM_001382573.1, NM_001382574.1 and 5 more transcripts); c.-219-56211G>A (NM_001382580.1, NM_001382581.1); c.136-56211G>A (NM_001382569.1); c.-98-56211G>A (NM_001382571.1); short protein forms D10N, D84N.
Identifiers: ClinVar variation 3236679 (VCV003236679.2), dbSNP rs2497422949, ClinGen allele CA379485085.
Genomic context (GRCh38, chr11:3,967,662, plus strand): 5'-AGCTTCGAGGCAGTCCGTAACATCCACAAACTGATGGACGATGATGCCAATGGTGATGTG[G>A]ATGTGGAAGAAAGTGATGAGGTGAGCTCTCCCATCCTGCTATGTCTCTCTTTTCTTCCTG-3'
Protein context (NP_001369496.1, residues 74-94): LMDDDANGDV[Asp84Asn]VEESDEFLRE